The following is an entry in ClinVar:

ClinVar aggregate classification (germline): Pathogenic. Review status: criteria provided, multiple submitters, no conflicts (2 of 4 stars). 10 submissions from 10 submitters: Pathogenic (7). 3 of the submissions do not count toward it. Last evaluated 2025-03-20.

Conditions:
Breast-ovarian cancer, familial, susceptibility to, 5 (BROVCA5). Identifiers: MedGen C5830615, MONDO:0957530, OMIM 620442.
Hereditary cancer-predisposing syndrome. Also called: Hereditary Cancer Syndrome; Hereditary neoplastic syndrome; Tumor predisposition; Neoplastic Syndromes, Hereditary. Identifiers: Orphanet 140162, MedGen C0027672, MeSH D009386, MONDO:0015356.
Hereditary breast ovarian cancer syndrome. Also called: BRCA1- and BRCA2-Associated Hereditary Breast and Ovarian Cancer; Hereditary breast and ovarian cancer; Hereditary breast and/or ovarian cancer syndrome; Hereditary breast and ovarian cancer syndrome; Hereditary breast and ovarian cancer syndrome (HBOC); Breast and ovarian cancer. Identifiers: Orphanet 145, MedGen C0677776, MeSH D061325, MONDO:0003582. Disease mechanism: loss of function.
Familial cancer of breast. Also called: BREAST CANCER, FAMILIAL; hereditary breast carcinoma; Hereditary breast cancer. Identifiers: Orphanet 227535, MedGen C0346153, MONDO:0016419, OMIM 114480. Disease mechanism: loss of function.

Submissions (10):

Labcorp Genetics (formerly Invitae), Labcorp
Classification: Pathogenic for Familial cancer of breast. Last evaluated: 2025-03-20. Review status: criteria provided, single submitter. Criteria: Invitae Variant Classification Sherloc (09022015). Collection method: clinical testing. Allele origin: germline.
Comment: This sequence change creates a premature translational stop signal (p.Gln343*) in the PALB2 gene. It is expected to result in an absent or disrupted protein product. Loss-of-function variants in PALB2 are known to be pathogenic (PMID: 17200668, 17200671, 17200672, 24136930, 25099575). This variant is not present in population databases (gnomAD no frequency). This premature translational stop signal has been observed in individual(s) with breast cancer (PMID: 21184274, 24556926, 27624329). It is commonly reported in individuals of Italian ancestry (PMID: 21184274, 24556926, 27624329). ClinVar contains an entry for this variant (Variation ID: 126583). For these reasons, this variant has been classified as Pathogenic.

Ambry Genetics
Classification: Pathogenic for Hereditary cancer-predisposing syndrome. Last evaluated: 2023-12-13. Review status: criteria provided, single submitter. Criteria: Ambry Variant Classification Scheme 2023. Collection method: clinical testing. Allele origin: germline.
Comment: The p.Q343* pathogenic mutation (also known as c.1027C>T), located in coding exon 4 of the PALB2 gene, results from a C to T substitution at nucleotide position 1027. This changes the amino acid from a glutamine to a stop codon within coding exon 4. This mutation has been reported in a breast and pancreatic cancer family as well as in multiple breast cancer families in the literature (Peterlongo P et al. Breast Cancer Res. Treat. 2011 Apr;126:825-8; Catucci I et al. Genet. Med. 2014 Sep;16:688-94; Antoniou AC et al. N. Engl. J. Med. 2014 Aug;371:497-506). Furthermore, haplotype analysis has indicated that c.1027C>T is an Italian founder mutation (Catucci I et al. Breast Cancer Res. Treat. 2016 Nov;160:121-129). This variant is considered to be rare based on population cohorts in the Genome Aggregation Database (gnomAD). In addition to the clinical data presented in the literature, this alteration is expected to result in loss of function by premature protein truncation or nonsense-mediated mRNA decay. As such, this alteration is interpreted as a disease-causing mutation.

Myriad Genetics, Inc.
Classification: Pathogenic for Familial cancer of breast. Last evaluated: 2023-09-07. Review status: criteria provided, single submitter. Criteria: Myriad Autosomal Dominant, Autosomal Recessive and X-Linked Classification Criteria (2023). Collection method: clinical testing. Allele origin: unknown.
Comment: This variant is considered pathogenic. This variant creates a termination codon and is predicted to result in premature protein truncation.

GeneDx
Classification: Pathogenic. Last evaluated: 2023-02-15. Review status: criteria provided, single submitter. Criteria: GeneDx Variant Classification Process June 2021. Collection method: clinical testing. Allele origin: germline. Affected: yes.
Comment: Nonsense variant predicted to result in protein truncation or nonsense mediated decay in a gene for which loss of function is a known mechanism of disease; Not observed at significant frequency in large population cohorts (gnomAD); This variant is associated with the following publications: (PMID: 25525159, 36278678, 17200668, 17200672, 17200671, 24136930, 33573335, 27624329, 25099575, 21184274, 24556926)

Centre for Mendelian Genomics, University Medical Centre Ljubljana
Classification: Pathogenic for Familial cancer of breast. Last evaluated: 2022-12-09. Review status: criteria provided, single submitter. Criteria: ACMG Guidelines, 2015. Collection method: research. Allele origin: germline. Affected: no.
Comment: PVS1, PS4_STR, PM2_SUP, PP1

Color Diagnostics, LLC DBA Color Health
Classification: Pathogenic for Hereditary cancer-predisposing syndrome. Last evaluated: 2022-05-09. Review status: criteria provided, single submitter. Criteria: ACMG Guidelines, 2015. Collection method: clinical testing. Allele origin: germline.
Comment: This variant changes 1 nucleotide in exon 4 of the PALB2 gene, creating a premature translation stop signal. This variant is expected to result in an absent or non-functional protein product. This variant has been reported in at least one individual affected with breast cancer and as a recurrent mutation in Italian hereditary breast and ovarian cancer families (PMID: 21184274, 24556926, 25099575, 33471991; Leiden Open Variation Database DB-ID PALB2_010060). A haplotype analysis suggests that this variant may be a founder mutation among hereditary breast and ovarian cancer families of Italian ancestry (PMID: 27624329). This variant has not been identified in the general population by the Genome Aggregation Database (gnomAD). Loss of PALB2 function is a known mechanism of disease. Based on the available evidence, this variant is classified as Pathogenic.

Department of Molecular Diagnostics, Institute of Oncology Ljubljana
Classification: Pathogenic for Familial cancer of breast. Last evaluated: 2020-04-02. Review status: criteria provided, single submitter. Criteria: ACMG Guidelines, 2015. Collection method: clinical testing. Allele origin: germline. Affected: yes.

BRCAlab, Lund University
Classification: Pathogenic for Hereditary breast ovarian cancer syndrome. Last evaluated: 2022-08-26. Review status: no assertion criteria provided. Collection method: clinical testing. Allele origin: germline. Affected: yes. Not counted in ClinVar's aggregate classification.

Leiden Open Variation Database
Classification: Pathogenic. Last evaluated: 2019-05-13. Review status: no assertion criteria provided. Collection method: curation. Allele origin: germline. Affected: yes. Not counted in ClinVar's aggregate classification.
Comment: Curators: Marc Tischkowitz, Arleen D. Auerbach. Submitter to LOVD: Marc Tischkowitz.

OMIM
Classification: risk factor for BREAST-OVARIAN CANCER, FAMILIAL, SUSCEPTIBILITY TO, 5. Last evaluated: 2014-09-01. Review status: no assertion criteria provided. Collection method: literature only. Allele origin: germline. Not counted in ClinVar's aggregate classification.

Literature cited by the submitters: PubMed 17200668 (cited by Labcorp Genetics (formerly Invitae), Labcorp); PubMed 17200671 (cited by Labcorp Genetics (formerly Invitae), Labcorp); PubMed 17200672 (cited by Labcorp Genetics (formerly Invitae), Labcorp); PubMed 24136930 (cited by Labcorp Genetics (formerly Invitae), Labcorp); PubMed 25099575 (cited by 4 submitters); PubMed 21184274 (cited by 4 submitters); PubMed 24556926 (cited by 5 submitters); PubMed 27624329 (cited by 3 submitters); PubMed 33471991 (cited by Color Diagnostics, LLC DBA Color Health); PubMed 31841383 (cited by OMIM).

NM_024675.4(PALB2):c.1027C>T (p.Gln343Ter)

Gene: PALB2 (partner and localizer of BRCA2; minus strand). Cytogenetic location: 16p12.2.
Variant type: single nucleotide variant.
Coding change: c.1027C>T on transcript NM_024675.4 (MANE Select); coding-DNA position 1027, C replaced by T.
Protein change: p.Gln343Ter; replaces glutamine 343 with a stop codon.
Molecular consequence: nonsense.
Genome position (GRCh38, 1-based): chr16:23,635,519, G>A on the plus strand (C>T on the coding strand, the complement: PALB2 is on the minus strand). VCF-style: chr16-23635519-G-A. GRCh37 (hg19) VCF-style: chr16-23646840-G-A.
Other names: short protein forms Q343*.
Identifiers: ClinVar variation 126583 (VCV000126583.43), dbSNP rs180177097, ClinGen allele CA151215.